The following is an entry in ClinVar:

ClinVar aggregate classification (germline): Uncertain significance (1 of 4 stars; one submission).

Submission:

Labcorp Genetics (formerly Invitae), Labcorp
Classification: Uncertain significance. Last evaluated: 2025-06-12. Review status: criteria provided, single submitter. Criteria: Invitae Variant Classification Sherloc (09022015). Collection method: clinical testing. Allele origin: germline.
Comment: This sequence change falls in intron 44 of the COL4A5 gene. It does not directly change the encoded amino acid sequence of the COL4A5 protein. It affects a nucleotide within the consensus splice site. This variant is not present in population databases (gnomAD no frequency). This variant has been observed in individual(s) with Alport syndrome (internal data). ClinVar contains an entry for this variant (Variation ID: 1499452). Variants that disrupt the consensus splice site are a relatively common cause of aberrant splicing (PMID: 17576681, 9536098). Algorithms developed to predict the effect of sequence changes on RNA splicing suggest that this variant may disrupt the consensus splice site. In summary, the available evidence is currently insufficient to determine the role of this variant in disease. Therefore, it has been classified as a Variant of Uncertain Significance.

Literature cited by the submitters: PubMed 17576681; PubMed 9536098.

NM_033380.3(COL4A5):c.4088-3T>G

Gene: COL4A5 (collagen type IV alpha 5 chain; plus strand). Cytogenetic location: Xq22.3.
Variant type: single nucleotide variant.
Coding change: c.4088-3T>G on transcript NM_033380.3 (MANE Select); 3 bases into the intron before coding-DNA position 4088, T replaced by G.
Molecular consequence: intron variant.
Genome position (GRCh38, 1-based): chrX:108,681,757, T>G. VCF-style: chrX-108681757-T-G. GRCh37 (hg19) VCF-style: chrX-107924987-T-G.
Other names: c.4070-3T>G (NM_000495.5).
Identifiers: ClinVar variation 1499452 (VCV001499452.8), dbSNP rs748750912, ClinGen allele CA2573159092.